The following is an entry in ClinVar:

NM_014319.5(LEMD3):c.904G>T (p.Ala302Ser)

Gene: LEMD3 (LEM domain containing 3; plus strand). Cytogenetic location: 12q14.3.
Variant type: single nucleotide variant.
Coding change: c.904G>T on transcript NM_014319.5 (MANE Select); coding-DNA position 904, G replaced by T.
Protein change: p.Ala302Ser; replaces alanine 302 with serine.
Molecular consequence: missense variant.
Genome position (GRCh38, 1-based): chr12:65,170,500, G>T. VCF-style: chr12-65170500-G-T. GRCh37 (hg19) VCF-style: chr12-65564280-G-T.
Other names: c.904G>T, p.Ala302Ser (NM_001167614.2); short protein forms A302S.
Identifiers: ClinVar variation 2906260 (VCV002906260.3), dbSNP rs374194981, ClinGen allele CA6670796.

ClinVar aggregate classification (germline): Uncertain significance (1 of 4 stars; one submission).

Allele frequency attached by ClinVar (database versions not stated): ExAC 0.00001; ESP Exome Variant Server 0.00015; gnomAD 0.00003.
gnomAD v4.1: 13 of 1,614,010 alleles (0.00081%); highest among the groups gnomAD compares: Non-Finnish European, 0.0011%; no homozygotes.

Submission:

Labcorp Genetics (formerly Invitae), Labcorp
Classification: Uncertain significance. Last evaluated: 2025-12-19. Review status: criteria provided, single submitter. Criteria: Invitae Variant Classification Sherloc (09022015). Collection method: clinical testing. Allele origin: germline.
Comment: This sequence change replaces alanine, which is neutral and non-polar, with serine, which is neutral and polar, at codon 302 of the LEMD3 protein (p.Ala302Ser). This variant is present in population databases (rs374194981, gnomAD 0.002%). This variant has not been reported in the literature in individuals affected with LEMD3-related conditions. ClinVar contains an entry for this variant (Variation ID: 2906260). Invitae Evidence Modeling of protein sequence and biophysical properties (such as structural, functional, and spatial information, amino acid conservation, physicochemical variation, residue mobility, and thermodynamic stability) indicates that this missense variant is not expected to disrupt LEMD3 protein function with a negative predictive value of 80%. In summary, the available evidence is currently insufficient to determine the role of this variant in disease. Therefore, it has been classified as a Variant of Uncertain Significance.